The following is an entry in ClinVar:

NM_080425.4(GNAS):c.184G>A (p.Glu62Lys)

Gene: GNAS (GNAS complex locus; plus strand). Cytogenetic location: 20q13.32.
Variant type: single nucleotide variant.
Coding change: c.184G>A on transcript NM_080425.4 (MANE Plus Clinical); coding-DNA position 184, G replaced by A.
Protein change: p.Glu62Lys; replaces glutamic acid 62 with lysine.
Molecular consequence: missense variant. On other transcripts: 5 prime UTR variant (2), intron variant (3).
Genome position (GRCh38, 1-based): chr20:58,853,449, G>A. VCF-style: chr20-58853449-G-A. GRCh37 (hg19) VCF-style: chr20-57428504-G-A.
Other names: c.-4G>A (NM_001077490.3, NM_001309883.1); c.184G>A, p.Glu62Lys (NM_001410913.1); c.*42+12563G>A (NM_016592.5); c.43+12563G>A (NM_001410912.1); c.-39+11574G>A (NM_001309861.2); short protein forms E62K.
Identifiers: ClinVar variation 2635659 (VCV002635659.3), dbSNP rs757144099, ClinGen allele CA9926433.

ClinVar aggregate classification (germline): Uncertain significance (0 of 4 stars; one submission).

Conditions:
GNAS-related disorder. Identifiers: MedGen CN380105.

Allele frequency attached by ClinVar (database versions not stated): ExAC 0.00001; gnomAD 0.00004; TOPMed 0.00005; gnomAD exomes 0.00003.
gnomAD v4.1: 44 of 1,610,994 alleles (0.0027%); highest among the groups gnomAD compares: African/African-American, 0.0053%; no homozygotes.

Submission:

PreventionGenetics, part of Exact Sciences
Classification: Uncertain significance for GNAS-related condition. Last evaluated: 2024-04-12. Review status: no assertion criteria provided. Collection method: clinical testing. Allele origin: germline.
Comment: The GNAS c.184G>A variant is predicted to result in the amino acid substitution p.Glu62Lys. This variant resides in the pre-coding region of the primary GNAS transcript (NM_000516.7:c.-38278G>A). To our knowledge, this variant has not been reported in the literature. This variant is reported in 0.013% of alleles in individuals of African descent in gnomAD. At this time, the clinical significance of this variant is uncertain due to the absence of conclusive functional and genetic evidence.